The following is an entry in ClinVar:

ClinVar aggregate classification (germline): Uncertain significance (1 of 4 stars; one submission).

Conditions:
Bardet-Biedl syndrome (BBS). Identifiers: Orphanet 110, MedGen C0752166, MONDO:0015229.

Allele frequency attached by ClinVar (database versions not stated): gnomAD exomes below 0.00001.
gnomAD v4.1: 4 of 1,614,128 alleles (0.00025%); highest among the groups gnomAD compares: Non-Finnish European, 0.00034%; no homozygotes.

Submission:

Labcorp Genetics (formerly Invitae), Labcorp
Classification: Uncertain significance for Bardet-Biedl syndrome. Last evaluated: 2022-09-06. Review status: criteria provided, single submitter. Criteria: Invitae Variant Classification Sherloc (09022015). Collection method: clinical testing. Allele origin: germline.
Comment: ClinVar contains an entry for this variant (Variation ID: 1041804). This variant has not been reported in the literature in individuals affected with BBS9-related conditions. This variant is not present in population databases (gnomAD no frequency). This sequence change replaces cysteine, which is neutral and slightly polar, with tyrosine, which is neutral and polar, at codon 24 of the BBS9 protein (p.Cys24Tyr). Algorithms developed to predict the effect of missense changes on protein structure and function (SIFT, PolyPhen-2, Align-GVGD) all suggest that this variant is likely to be disruptive. In summary, the available evidence is currently insufficient to determine the role of this variant in disease. Therefore, it has been classified as a Variant of Uncertain Significance.

NM_198428.3(BBS9):c.71G>A (p.Cys24Tyr)

Gene: BBS9 (Bardet-Biedl syndrome 9; plus strand). Cytogenetic location: 7p14.3.
Variant type: single nucleotide variant.
Coding change: c.71G>A on transcript NM_198428.3 (MANE Select); coding-DNA position 71, G replaced by A.
Protein change: p.Cys24Tyr; replaces cysteine 24 with tyrosine.
Molecular consequence: missense variant. On other transcripts: 5 prime UTR variant (3), non-coding transcript variant (3), intron variant (4).
Genome position (GRCh38, 1-based): chr7:33,146,323, G>A. VCF-style: chr7-33146323-G-A. GRCh37 (hg19) VCF-style: chr7-33185935-G-A.
Other names: c.71G>A, p.Cys24Tyr (NM_001033604.2, NM_001033605.2, NM_001348036.1 and 5 more transcripts); c.-231G>A (NM_001348037.3); c.-207G>A (NM_001348038.3, NM_001348039.3); c.-23-6378G>A (NM_001348042.3); c.-189-6378G>A (NM_001348045.3); c.-39+16282G>A (NM_001348046.3, NM_001348044.3); short protein forms C24Y.
Identifiers: ClinVar variation 1041804 (VCV001041804.8), dbSNP rs1792335317, ClinGen allele CA367189369.